The following is an entry in ClinVar:

ClinVar aggregate classification (germline): Uncertain significance. Review status: criteria provided, multiple submitters, no conflicts (2 of 4 stars). 10 submissions from 10 submitters: Uncertain significance (9). 1 of the submissions does not count toward it. Last evaluated 2025-12-03.

Conditions:
Hereditary cancer-predisposing syndrome. Also called: Neoplastic Syndromes, Hereditary; Tumor predisposition; Hereditary Cancer Syndrome; Hereditary neoplastic syndrome. Identifiers: Orphanet 140162, MedGen C0027672, MeSH D009386, MONDO:0015356.
Familial cancer of breast. Also called: BREAST CANCER, FAMILIAL; hereditary breast carcinoma; Hereditary breast cancer. Identifiers: Orphanet 227535, MedGen C0346153, MONDO:0016419, OMIM 114480. Disease mechanism: loss of function.

Allele frequency attached by ClinVar (database versions not stated): TOPMed below 0.00001; gnomAD 0.00001; gnomAD exomes 0.00001.
gnomAD v4.1: 18 of 1,613,876 alleles (0.0011%); highest among the groups gnomAD compares: Admixed American, 0.0067%; no homozygotes.

Submissions (10):

Ambry Genetics
Classification: Uncertain significance for Hereditary cancer-predisposing syndrome. Last evaluated: 2025-12-03. Review status: criteria provided, single submitter. Criteria: Ambry Variant Classification Scheme 2023. Collection method: clinical testing. Allele origin: germline.
Comment: The p.L174F variant (also known as c.520C>T), located in coding exon 3 of the CHEK2 gene, results from a C to T substitution at nucleotide position 520. The leucine at codon 174 is replaced by phenylalanine, an amino acid with highly similar properties. This alteration behaved as functional in an in vivo, yeast-based growth rate assay (Delimitsou A et al. Hum. Mutat., 2019 05;40:631-648). This alteration was reported as functional in a study assessing CHEK2-complementation through quantification of KAP1 phosphorylation and CHK2 autophosphorylation in human RPE1-CHEK2-knockout cells (Stolarova L et al. Clin Cancer Res, 2023 Aug;29:3037-3050). This amino acid position is well conserved in available vertebrate species. In addition, the in silico prediction for this alteration is inconclusive. Based on the available evidence, the clinical significance of this variant remains unclear.

Quest Diagnostics Nichols Institute San Juan Capistrano
Classification: Uncertain significance. Last evaluated: 2025-09-23. Review status: criteria provided, single submitter. Criteria: Quest Diagnostics criteria. Collection method: clinical testing. Allele origin: unknown.
Comment: The CHEK2 c.520C>T (p.Leu174Phe) variant has been reported in the published literature in individuals with breast cancer (PMID: 18058223 (2008), 28779002 (2017)) and neuroblastoma (PMID: 27009842 (2016)). In a large scale breast cancer association study, this variant has been observed in breast cancer cases and reportedly unaffected individuals (PMID: 33471991 (2021), see also LOVD). Functional studies indicate this variant has neutral effects on DNA repair-dependent cell growth (PMID: 30851065 (2019)), and autophosphorylation of CHK2 and an intermediate effect on KAP1 phosphorylation (PMD: 37449874 (2023)). The frequency of this variant in the general population (Genome Aggregation Database) is uninformative in the assessment of its pathogenicity. Analysis of this variant using bioinformatics tools for the prediction of the effect of amino acid changes on protein structure and function yielded conflicting predictions that this variant is benign or damaging. Based on the available information, we are unable to determine the clinical significance of this variant.

GeneDx
Classification: Uncertain significance. Last evaluated: 2025-06-17. Review status: criteria provided, single submitter. Criteria: GeneDx Variant Classification Process June 2021. Collection method: clinical testing. Allele origin: germline. Affected: yes.
Comment: Observed in individuals with breast cancer and absent in controls (PMID: 32885271, 18058223, 37449874, 40259910); Not observed at significant frequency in large population cohorts (gnomAD); In silico analysis suggests that this missense variant does not alter protein structure/function; Also known as c.649C>T, p.(L217F); This variant is associated with the following publications: (PMID: 25525159, 36980535, 27009842, 22419737, 19782031, 18058223, 32885271, 28779002, 37449874, 30851065, 40259910)

Labcorp Genetics (formerly Invitae), Labcorp
Classification: Uncertain significance for Familial cancer of breast. Last evaluated: 2024-12-10. Review status: criteria provided, single submitter. Criteria: Invitae Variant Classification Sherloc (09022015). Collection method: clinical testing. Allele origin: germline.
Comment: This sequence change replaces leucine, which is neutral and non-polar, with phenylalanine, which is neutral and non-polar, at codon 174 of the CHEK2 protein (p.Leu174Phe). This variant is present in population databases (no rsID available, gnomAD 0.006%). This missense change has been observed in individual(s) with breast cancer and/or neuroblastoma (PMID: 18058223, 27009842). This variant is also known as c.649C>T (p.L217F). ClinVar contains an entry for this variant (Variation ID: 232352). An algorithm developed to predict the effect of missense changes on protein structure and function (PolyPhen-2) suggests that this variant is likely to be disruptive. Experimental studies have shown that this missense change does not substantially affect CHEK2 function (PMID: 30851065, 37449874). In summary, the available evidence is currently insufficient to determine the role of this variant in disease. Therefore, it has been classified as a Variant of Uncertain Significance.

Baylor Genetics
Classification: Uncertain significance for Familial cancer of breast. Last evaluated: 2024-03-18. Review status: criteria provided, single submitter. Criteria: ACMG Guidelines, 2015. Collection method: clinical testing. Allele origin: unknown.

Color Diagnostics, LLC DBA Color Health
Classification: Uncertain significance for Hereditary cancer-predisposing syndrome. Last evaluated: 2024-01-18. Review status: criteria provided, single submitter. Criteria: ACMG Guidelines, 2015. Collection method: clinical testing. Allele origin: germline.
Comment: This missense variant replaces leucine with phenylalanine at codon 174 of the CHEK2 protein. Computational prediction is inconclusive regarding the impact of this variant on protein structure and function (internally defined REVEL score threshold 0.5 < inconclusive < 0.7, PMID: 27666373). A functional study reported this variant as functional in a yeast based DNA damage response assay (PMID: 30851065) and a human cell complementation assay showed no impact on KAP1 phosphorylation and intermediate impact on CHEK2 autophosphorylation (PMID: 37449874). This variant has been reported in individuals affected with breast cancer in the literature (PMID: 18058223, 37449874). This variant has been identified in 3/277196 chromosomes in the general population by the Genome Aggregation Database (gnomAD). The available evidence is insufficient to determine the role of this variant in disease conclusively. Therefore, this variant is classified as a Variant of Uncertain Significance.

MGZ Medical Genetics Center
Classification: Uncertain significance for Familial cancer of breast. Last evaluated: 2022-05-04. Review status: criteria provided, single submitter. Criteria: ACMG Guidelines, 2015. Collection method: clinical testing. Allele origin: germline. Affected: yes. Observed: 1 variant allele.
Comment: ACMG criteria applied: PS4_SUP, PM2_SUP, PP3

Revvity Omics, Revvity
Classification: Uncertain significance. Last evaluated: 2019-05-02. Review status: criteria provided, single submitter. Criteria: ACMG Guidelines, 2015. Collection method: clinical testing. Allele origin: germline.

Centre for Mendelian Genomics, University Medical Centre Ljubljana
Classification: Uncertain significance for Familial cancer of breast. Last evaluated: 2016-01-01. Review status: criteria provided, single submitter. Criteria: ACMG Guidelines, 2015. Collection method: clinical testing. Allele origin: unknown. Affected: yes.
Comment: This variant was classified as: Uncertain significance. The following ACMG criteria were applied in classifying this variant: PP4.

Department of Pathology and Laboratory Medicine, Sinai Health System
Classification: Uncertain significance. Review status: no assertion criteria provided. Collection method: clinical testing. Allele origin: unknown. Affected: yes. Study: The Canadian Open Genetics Repository (COGR). Not counted in ClinVar's aggregate classification.
Comment: The CHEK2 p.Leu174Phe variant was identified in 1 of 1346 proband chromosomes (frequency: 0.0007) from Czech individuals or families with breast cancer and was not identified in 1366 control chromosomes from healthy individuals (Kleibl 2008). The variant was also identified in dbSNP (ID: rs876659400) â€šÃ„ÃºWith Uncertain significance alleleâ€šÃ„Ã¹, and ClinVar (classified as uncertain significance; submitters: Ambry Genetics, GeneDx and Invitae). The variant was identified in control databases in 3 of 277196 chromosomes at a frequency of 0.00001 (Genome Aggregation Database Feb 27, 2017), observed in the following populations: Latino in 2 of 34420 chromosomes (freq: 0.00006) and East Asian in 1 of 18868 chromosomes (freq: 0.00005) while not observed in the African, Other, European Non-Finnish, Ashkenazi Jewish, European Finnish, and South Asian populations. The variant is located in the FHA (forkhead-associated) functional domain of the CHEK2 protein. The p.Leu174 residue is not conserved in mammals and computational analyses (PolyPhen-2, SIFT, AlignGVGD, BLOSUM, MutationTaster) provide inconsistent predictions regarding the impact of the variant Phe to the protein; this information is not very predictive of pathogenicity. The variant occurs outside of the splicing consensus sequence and in silico or computational prediction software programs (SpliceSiteFinder, MaxEntScan, NNSPLICE, GeneSplicer) do not predict a difference in splicing. In summary, based on the above information the clinical significance of this variant cannot be determined with certainty at this time. This variant is classified as a variant of uncertain significance.

Literature cited by the submitters: PubMed 30851065 (cited by 4 submitters); PubMed 37449874 (cited by 4 submitters); PubMed 32885271 (cited by Quest Diagnostics Nichols Institute San Juan Capistrano); PubMed 28779002 (cited by Quest Diagnostics Nichols Institute San Juan Capistrano); PubMed 27009842 (cited by Quest Diagnostics Nichols Institute San Juan Capistrano and Labcorp Genetics (formerly Invitae), Labcorp); PubMed 18058223 (cited by 3 submitters).

NM_007194.4(CHEK2):c.520C>T (p.Leu174Phe)

Gene: CHEK2 (checkpoint kinase 2; minus strand). Cytogenetic location: 22q12.1.
Variant type: single nucleotide variant.
Coding change: c.520C>T on transcript NM_007194.4 (MANE Select); coding-DNA position 520, C replaced by T.
Protein change: p.Leu174Phe; replaces leucine 174 with phenylalanine.
Molecular consequence: missense variant. On other transcripts: 5 prime UTR variant (2), intron variant (1).
Genome position (GRCh38, 1-based): chr22:28,725,049, G>A on the plus strand (C>T on the coding strand, the complement: CHEK2 is on the minus strand). VCF-style: chr22-28725049-G-A. GRCh37 (hg19) VCF-style: chr22-29121037-G-A.
Other names: c.649C>T, p.Leu217Phe (NM_001005735.3, NM_001438294.1); c.-258C>T (NM_001257387.3); c.-144C>T (NM_001437942.1); c.613C>T, p.Leu205Phe (NM_001438293.1, NM_001438295.1); c.520C>T, p.Leu174Phe (NM_145862.3); c.445-126C>T (NM_001349956.3); short protein forms L174F, L217F, L205F.
Identifiers: ClinVar variation 232352 (VCV000232352.38), dbSNP rs876659400, ClinGen allele CA10577638.